The following is an entry in ClinVar:

ClinVar aggregate classification (germline): Benign/Likely benign. Review status: criteria provided, multiple submitters, no conflicts (2 of 4 stars). 2 submissions from 2 submitters: Benign (1); Likely benign (1). Last evaluated 2026-09-18.

Conditions:
Colorectal cancer, hereditary nonpolyposis, type 7. Identifiers: Orphanet 144, MedGen C1858380, MONDO:0013725, OMIM 614385.

Submissions (2):

Myriad Genetics, Inc.
Classification: Benign for Colorectal cancer, hereditary nonpolyposis, type 7. Last evaluated: 2026-09-18. Review status: criteria provided, single submitter. Criteria: Myriad Autosomal Dominant, Autosomal Recessive and X-Linked Classification Criteria (2023). Collection method: clinical testing. Allele origin: unknown.
Comment: This variant is considered benign. This variant is a silent/synonymous amino acid change and it is not expected to impact splicing.

Ambry Genetics
Classification: Likely benign. Last evaluated: 2021-01-05. Review status: criteria provided, single submitter. Criteria: Ambry Variant Classification Scheme 2023. Collection method: clinical testing. Allele origin: germline.

NM_001040108.2(MLH3):c.2235A>G (p.Leu745=)

Gene: MLH3 (mutL homolog 3; minus strand). Cytogenetic location: 14q24.3.
Variant type: single nucleotide variant.
Coding change: c.2235A>G on transcript NM_001040108.2 (MANE Select); coding-DNA position 2235, A replaced by G.
Protein change: p.Leu745=; no amino-acid change (leucine 745 retained).
Molecular consequence: synonymous variant.
Genome position (GRCh38, 1-based): chr14:75,047,421, T>C on the plus strand (A>G on the coding strand, the complement: MLH3 is on the minus strand). VCF-style: chr14-75047421-T-C. GRCh37 (hg19) VCF-style: chr14-75514124-T-C.
Other names: c.2235A>G, p.Leu745= (NM_014381.3).
Identifiers: ClinVar variation 1788169 (VCV001788169.3), dbSNP rs2503275115, ClinGen allele CA487273228.
Genomic context (GRCh38, chr14:75,047,421, plus strand): 5'-TTCAACCTTCCCATATTGCCTCTTAAACTTCTCTAAAGATCCTAGCTGTGAACTCAAGCT[T>C]AGCTTCTTACGGACGATTGGTTTGGAGAAACCAATTAATTTATCTGTTTTCCTACTATCA-3'
Protein context (NP_001035197.1, residues 735-755): GFSKPIVRKK[Leu745=]SLSSQLGSLE